The following is an entry in ClinVar:

NM_005677.4(COLQ):c.117C>A (p.Ser39Arg)

Gene: COLQ (collagen like tail subunit of asymmetric acetylcholinesterase; minus strand). Cytogenetic location: 3p25.1.
Variant type: single nucleotide variant.
Coding change: c.117C>A on transcript NM_005677.4 (MANE Select); coding-DNA position 117, C replaced by A.
Protein change: p.Ser39Arg; replaces serine 39 with arginine.
Molecular consequence: missense variant.
Genome position (GRCh38, 1-based): chr3:15,489,627, G>T on the plus strand (C>A on the coding strand, the complement: COLQ is on the minus strand). VCF-style: chr3-15489627-G-T. GRCh37 (hg19) VCF-style: chr3-15531134-G-T.
Other names: c.87C>A, p.Ser29Arg (NM_080538.2); c.117C>A, p.Ser39Arg (NM_080539.4); short protein forms S39R, S29R.
Identifiers: ClinVar variation 210754 (VCV000210754.13), dbSNP rs138891500, ClinGen allele CA209377.

ClinVar aggregate classification (germline): Uncertain significance. Review status: criteria provided, multiple submitters, no conflicts (2 of 4 stars). 3 submissions from 3 submitters: Uncertain significance (3). Last evaluated 2025-08-20.

Conditions:
Inborn genetic diseases. Identifiers: MedGen C0950123, MeSH D030342.
Congenital myasthenic syndrome 5. Identifiers: Orphanet 590, MedGen C1864233, MONDO:0011281, OMIM 603034.

Allele frequency attached by ClinVar (database versions not stated): gnomAD exomes 0.00001 and 0.00004; ExAC 0.00005; gnomAD 0.00008 and 0.00009; TOPMed 0.00008; ESP Exome Variant Server 0.00015.
gnomAD v4.1: 25 of 1,613,884 alleles (0.0015%); highest among the groups gnomAD compares: African/African-American, 0.032%; no homozygotes.

Submissions (3):

Ambry Genetics
Classification: Uncertain significance for Inborn genetic diseases. Last evaluated: 2025-08-20. Review status: criteria provided, single submitter. Criteria: Ambry Variant Classification Scheme 2023. Collection method: clinical testing. Allele origin: germline.

Labcorp Genetics (formerly Invitae), Labcorp
Classification: Uncertain significance for Congenital myasthenic syndrome 5. Last evaluated: 2022-03-09. Review status: criteria provided, single submitter. Criteria: Invitae Variant Classification Sherloc (09022015). Collection method: clinical testing. Allele origin: germline.
Comment: This sequence change replaces serine, which is neutral and polar, with arginine, which is basic and polar, at codon 39 of the COLQ protein (p.Ser39Arg). This variant is present in population databases (rs138891500, gnomAD 0.05%). This variant has not been reported in the literature in individuals affected with COLQ-related conditions. ClinVar contains an entry for this variant (Variation ID: 210754). Algorithms developed to predict the effect of missense changes on protein structure and function are either unavailable or do not agree on the potential impact of this missense change (SIFT: "Deleterious"; PolyPhen-2: "Possibly Damaging"; Align-GVGD: "Class C0"). In summary, the available evidence is currently insufficient to determine the role of this variant in disease. Therefore, it has been classified as a Variant of Uncertain Significance.

Genetic Services Laboratory, University of Chicago
Classification: Uncertain significance. Last evaluated: 2015-04-08. Review status: criteria provided, single submitter. Criteria: ACMG Guidelines, 2015. Collection method: clinical testing. Allele origin: germline.